The following is an entry in ClinVar:

NM_004168.4(SDHA):c.291G>T (p.Arg97Ser)

Gene: SDHA (succinate dehydrogenase complex flavoprotein subunit A; plus strand). Cytogenetic location: 5p15.33.
Variant type: single nucleotide variant.
Coding change: c.291G>T on transcript NM_004168.4 (MANE Select); coding-DNA position 291, G replaced by T.
Protein change: p.Arg97Ser; replaces arginine 97 with serine.
Molecular consequence: missense variant.
Genome position (GRCh38, 1-based): chr5:224,500, G>T. VCF-style: chr5-224500-G-T. GRCh37 (hg19) VCF-style: chr5-224615-G-T.
Other names: c.291G>T, p.Arg97Ser (NM_001294332.2, NM_001330758.2); short protein forms R97S.
Identifiers: ClinVar variation 4789753 (VCV004789753.1).

ClinVar aggregate classification (germline): Uncertain significance (1 of 4 stars; one submission).

Conditions:
Mitochondrial complex II deficiency, nuclear type 1. Also called: SUCCINATE CoQ REDUCTASE DEFICIENCY. Identifiers: Orphanet 3208, MedGen C5700310, MONDO:0100294, OMIM 252011.
Pheochromocytoma/paraganglioma syndrome 5. Also called: Paragangliomas 5; SDHA-Related Hereditary Paraganglioma-Pheochromocytoma Syndrome. Identifiers: Orphanet 29072, MedGen C3279992, MONDO:0013602, OMIM 614165.

Submission:

Labcorp Genetics (formerly Invitae), Labcorp
Classification: Uncertain significance for Pheochromocytoma/paraganglioma syndrome 5; Mitochondrial complex II deficiency, nuclear type 1. Last evaluated: 2025-02-06. Review status: criteria provided, single submitter. Criteria: Invitae Variant Classification Sherloc (09022015). Collection method: clinical testing. Allele origin: germline.
Comment: This sequence change replaces arginine, which is basic and polar, with serine, which is neutral and polar, at codon 97 of the SDHA protein (p.Arg97Ser). This variant is not present in population databases (gnomAD no frequency). This variant has not been reported in the literature in individuals affected with SDHA-related conditions. Invitae Evidence Modeling of protein sequence and biophysical properties (such as structural, functional, and spatial information, amino acid conservation, physicochemical variation, residue mobility, and thermodynamic stability) has been performed for this missense variant. However, the output from this modeling did not meet the statistical confidence thresholds required to predict the impact of this variant on SDHA protein function. In summary, the available evidence is currently insufficient to determine the role of this variant in disease. Therefore, it has been classified as a Variant of Uncertain Significance.